The following is an entry in ClinVar:

ClinVar aggregate classification (germline): Uncertain significance (1 of 4 stars; one submission).

Submission:

Dasa
Classification: Uncertain significance. Last evaluated: 2025-03-30. Review status: criteria provided, single submitter. Criteria: DASA Assertion Criteria. Collection method: clinical testing. Allele origin: germline.
Comment: NM_001197104.2(KMT2A):c.185C>G (p.Ala62Gly) is a missense variant that results in the substitution of alanine with glycine. This variant is absent from population databases. Computational prediction algorithms are consistent with a benign effect. The currently available literature and clinical evidence are not sufficient to establish a definitive association between this variant and the reported condition. Therefore, this variant is classified as a variant of uncertain significance.

NM_001197104.2(KMT2A):c.185C>G (p.Ala62Gly)

Gene: KMT2A (lysine methyltransferase 2A; plus strand). Cytogenetic location: 11q23.3.
Variant type: single nucleotide variant.
Coding change: c.185C>G on transcript NM_001197104.2 (MANE Select); coding-DNA position 185, C replaced by G.
Protein change: p.Ala62Gly; replaces alanine 62 with glycine.
Molecular consequence: missense variant.
Genome position (GRCh38, 1-based): chr11:118,436,697, C>G. VCF-style: chr11-118436697-C-G. GRCh37 (hg19) VCF-style: chr11-118307412-C-G.
Other names: c.185C>G, p.Ala62Gly (NM_001412597.1, NM_005933.4); short protein forms A62G.
Identifiers: ClinVar variation 4885679 (VCV004885679.2).